The following is an entry in ClinVar:

ClinVar aggregate classification (germline): Pathogenic (1 of 4 stars; one submission).

Conditions:
Hereditary cancer-predisposing syndrome. Also called: Hereditary neoplastic syndrome; Neoplastic Syndromes, Hereditary; Tumor predisposition; Hereditary Cancer Syndrome. Identifiers: Orphanet 140162, MedGen C0027672, MeSH D009386, MONDO:0015356.

Submission:

Ambry Genetics
Classification: Pathogenic for Hereditary cancer-predisposing syndrome. Last evaluated: 2022-02-03. Review status: criteria provided, single submitter. Criteria: Ambry Variant Classification Scheme 2023. Collection method: clinical testing. Allele origin: germline.
Comment: The c.8852dupT pathogenic mutation, located in coding exon 61 of the ATM gene, results from a duplication of T at nucleotide position 8852, causing a translational frameshift with a predicted alternate stop codon (p.L2952Pfs*4). This variant is considered to be rare based on population cohorts in the Genome Aggregation Database (gnomAD). This alteration is expected to result in loss of function by premature protein truncation or nonsense-mediated mRNA decay. As such, this alteration is interpreted as a disease-causing mutation.

NM_000051.4(ATM):c.8852dup (p.Leu2952fs)

Genes: ATM (ATM serine/threonine kinase; plus strand), C11orf65 (chromosome 11 open reading frame 65; minus strand). Cytogenetic location: 11q22.3.
Variant type: Duplication.
Coding change: c.8852dup on transcript NM_000051.4 (MANE Select); coding-DNA position 8852, one base duplicated (T; older notation c.8852dupT).
Protein change: p.Leu2952fs; shifts the reading frame from leucine 2952.
Molecular consequence: frameshift variant. On other transcripts: intron variant (2).
Genome position (GRCh38, 1-based): chr11:108,365,083, T duplicated. VCF-style (leftmost placement, unchanged base first): chr11-108365082-G-GT. GRCh37 (hg19) VCF-style: chr11-108235809-G-GT.
Other names: c.8852dupT (NM_000051.3); c.8852dup, p.Leu2952fs (NM_001351834.2); c.640+20837dup (NM_001330368.2); c.694+20837dup (NM_001351110.2); short protein forms L2952fs.
Identifiers: ClinVar variation 1764888 (VCV001764888.2), dbSNP rs2547673737, ClinGen allele CA2580083047.